The following is an entry in ClinVar:

NM_001127222.2(CACNA1A):c.5866T>C (p.Tyr1956His)

Gene: CACNA1A (calcium voltage-gated channel subunit alpha1 A; minus strand). Cytogenetic location: 19p13.13.
Variant type: single nucleotide variant.
Coding change: c.5866T>C on transcript NM_001127222.2 (MANE Select); coding-DNA position 5866, T replaced by C.
Protein change: p.Tyr1956His; replaces tyrosine 1956 with histidine.
Molecular consequence: missense variant.
Genome position (GRCh38, 1-based): chr19:13,214,307, A>G on the plus strand (T>C on the coding strand, the complement: CACNA1A is on the minus strand). VCF-style: chr19-13214307-A-G. GRCh37 (hg19) VCF-style: chr19-13325121-A-G.
Other names: c.5884T>C, p.Tyr1962His (NM_000068.4, NM_023035.3); c.5869T>C, p.Tyr1957His (NM_001127221.2); c.5875T>C, p.Tyr1959His (NM_001174080.2); short protein forms Y1956H, Y1957H, Y1959H, Y1962H.
Identifiers: ClinVar variation 3371212 (VCV003371212.1).

ClinVar aggregate classification (germline): Uncertain significance (1 of 4 stars; one submission).

Submission:

GeneDx
Classification: Uncertain significance. Last evaluated: 2024-03-29. Review status: criteria provided, single submitter. Criteria: GeneDx Variant Classification Process June 2021. Collection method: clinical testing. Allele origin: germline. Affected: yes.
Comment: Not observed at significant frequency in large population cohorts (gnomAD); In silico analysis supports that this missense variant has a deleterious effect on protein structure/function; Has not been previously published as pathogenic or benign to our knowledge